The following is an entry in ClinVar:

ClinVar aggregate classification (germline): Uncertain significance (1 of 4 stars; one submission).

Conditions:
Hereditary cancer-predisposing syndrome. Also called: Neoplastic Syndromes, Hereditary; Tumor predisposition; Hereditary Cancer Syndrome; Hereditary neoplastic syndrome. Identifiers: Orphanet 140162, MedGen C0027672, MeSH D009386, MONDO:0015356.

Submission:

Ambry Genetics
Classification: Uncertain significance for Hereditary cancer-predisposing syndrome. Last evaluated: 2025-10-19. Review status: criteria provided, single submitter. Criteria: Ambry Variant Classification Scheme 2023. Collection method: clinical testing. Allele origin: germline.
Comment: The p.G2107C variant (also known as c.6319G>T), located in coding exon 15 of the APC gene, results from a G to T substitution at nucleotide position 6319. The glycine at codon 2107 is replaced by cysteine, an amino acid with highly dissimilar properties. This amino acid position is conserved. In addition, in silico predictors for this gene do not accurately predict pathogenicity. Based on the available evidence, the clinical significance of this variant remains unclear.

NM_000038.6(APC):c.6319G>T (p.Gly2107Cys)

Gene: APC (APC regulator of Wnt signaling pathway; plus strand). Cytogenetic location: 5q22.2.
Variant type: single nucleotide variant.
Coding change: c.6319G>T on transcript NM_000038.6 (MANE Select); coding-DNA position 6319, G replaced by T.
Protein change: p.Gly2107Cys; replaces glycine 2107 with cysteine.
Molecular consequence: missense variant. On other transcripts: non-coding transcript variant (2).
Genome position (GRCh38, 1-based): chr5:112,841,913, G>T. VCF-style: chr5-112841913-G-T. GRCh37 (hg19) VCF-style: chr5-112177610-G-T.
Other names: c.6319G>T, p.Gly2107Cys (NM_001127510.3, NM_001354895.2, NM_001407450.1); c.6265G>T, p.Gly2089Cys (NM_001127511.3); c.6373G>T, p.Gly2125Cys (NM_001354896.2, NM_001407447.1, NM_001407448.1 and 1 more transcripts); c.6349G>T, p.Gly2117Cys (NM_001354897.2); c.6244G>T, p.Gly2082Cys (NM_001354898.2); c.6235G>T, p.Gly2079Cys (NM_001354899.2); c.6196G>T, p.Gly2066Cys (NM_001354900.2); c.6142G>T, p.Gly2048Cys (NM_001354901.2, NM_001407453.1); and 11 more; short protein forms G1947C, G1981C, G2082C, G2117C, G2125C, G2048C, G2100C, G2016C.
Identifiers: ClinVar variation 4584631 (VCV004584631.1).